The following is an entry in ClinVar:

NM_004655.4(AXIN2):c.117G>A (p.Gly39=)

Gene: AXIN2 (axin 2; minus strand). Cytogenetic location: 17q24.1.
Variant type: single nucleotide variant.
Coding change: c.117G>A on transcript NM_004655.4 (MANE Select); coding-DNA position 117, G replaced by A.
Protein change: p.Gly39=; no amino-acid change (glycine 39 retained).
Molecular consequence: synonymous variant.
Genome position (GRCh38, 1-based): chr17:65,558,504, C>T on the plus strand (G>A on the coding strand, the complement: AXIN2 is on the minus strand). VCF-style: chr17-65558504-C-T. GRCh37 (hg19) VCF-style: chr17-63554622-C-T.
Other names: c.117G>A, p.Gly39= (NM_001363813.1).
Identifiers: ClinVar variation 2064316 (VCV002064316.6), dbSNP rs2044310171, ClinGen allele CA501691580.
Genomic context (GRCh38, chr17:65,558,504, plus strand): 5'-TTCGTTCCGCCTGGTGTTGGAAGAGACAGGCATGGGTTTGGTGACCTGGCCCTTGCCCAC[C>T]CCTGGCTGACACGGTGGGGTCTCCCCTTCTTCCCCTGGCACTGGGGGCCGCGGGGCATCC-3'
Protein context (NP_004646.3, residues 29-49): EEGETPPCQP[Gly39=]VGKGQVTKPM

ClinVar aggregate classification (germline): Benign/Likely benign. Review status: criteria provided, multiple submitters, no conflicts (2 of 4 stars). 3 submissions from 3 submitters: Benign (1); Likely benign (2). Last evaluated 2026-02-16.

Conditions:
Hereditary cancer-predisposing syndrome. Also called: Neoplastic Syndromes, Hereditary; Tumor predisposition; Hereditary Cancer Syndrome; Hereditary neoplastic syndrome. Identifiers: Orphanet 140162, MedGen C0027672, MeSH D009386, MONDO:0015356.
Oligodontia-cancer predisposition syndrome. Also called: TOOTH AGENESIS-COLORECTAL CANCER SYNDROME. Identifiers: Orphanet 300576, MedGen C1837750, MONDO:0012075, OMIM 608615. Disease mechanism: loss of function.

Allele frequency attached by ClinVar (database versions not stated): TOPMed 0.00001.
gnomAD v4.1: 1 of 1,613,164 alleles (0.000062%); no homozygotes.

Submissions (3):

Ambry Genetics
Classification: Likely benign for Hereditary cancer-predisposing syndrome. Last evaluated: 2026-02-16. Review status: criteria provided, single submitter. Criteria: Ambry Variant Classification Scheme 2023. Collection method: clinical testing. Allele origin: germline.

Labcorp Genetics (formerly Invitae), Labcorp
Classification: Likely benign for Oligodontia-cancer predisposition syndrome. Last evaluated: 2024-08-28. Review status: criteria provided, single submitter. Criteria: Invitae Variant Classification Sherloc (09022015). Collection method: clinical testing. Allele origin: germline.

Myriad Genetics, Inc.
Classification: Benign for Oligodontia-cancer predisposition syndrome. Last evaluated: 2024-06-25. Review status: criteria provided, single submitter. Criteria: Myriad Autosomal Dominant, Autosomal Recessive and X-Linked Classification Criteria (2023). Collection method: clinical testing. Allele origin: unknown.
Comment: This variant is considered benign. This variant is a silent/synonymous amino acid change and it is not expected to impact splicing.